The following is an entry in ClinVar:

ClinVar aggregate classification (germline): Uncertain significance. Review status: criteria provided, multiple submitters, no conflicts (2 of 4 stars). 2 submissions from 2 submitters: Uncertain significance (2). Last evaluated 2025-11-17.

Conditions:
Developmental and epileptic encephalopathy, 33 (DEE33). Also called: Epileptic encephalopathy, early infantile, 33. Identifiers: Orphanet 442835, MedGen C4225337, MONDO:0014625, OMIM 616409.

Allele frequency attached by ClinVar (database versions not stated): gnomAD exomes 0.00001; gnomAD 0.00001.

Submissions (2):

Labcorp Genetics (formerly Invitae), Labcorp
Classification: Uncertain significance for Developmental and epileptic encephalopathy, 33. Last evaluated: 2025-11-17. Review status: criteria provided, single submitter. Criteria: Invitae Variant Classification Sherloc (09022015). Collection method: clinical testing. Allele origin: germline.
Comment: This sequence change replaces methionine, which is neutral and non-polar, with isoleucine, which is neutral and non-polar, at codon 155 of the EEF1A2 protein (p.Met155Ile). This variant is not present in population databases (gnomAD no frequency). This variant has not been reported in the literature in individuals affected with EEF1A2-related conditions. ClinVar contains an entry for this variant (Variation ID: 982593). Invitae Evidence Modeling of protein sequence and biophysical properties (such as structural, functional, and spatial information, amino acid conservation, physicochemical variation, residue mobility, and thermodynamic stability) indicates that this missense variant is not expected to disrupt EEF1A2 protein function with a negative predictive value of 80%. In summary, the available evidence is currently insufficient to determine the role of this variant in disease. Therefore, it has been classified as a Variant of Uncertain Significance.

Institute of Human Genetics, University of Leipzig Medical Center
Classification: Uncertain significance for Developmental and epileptic encephalopathy, 33. Last evaluated: 2019-01-01. Review status: criteria provided, single submitter. Criteria: ACMG Guidelines, 2015. Collection method: clinical testing. Allele origin: unknown. Affected: yes.

NM_001958.5(EEF1A2):c.465G>A (p.Met155Ile)

Genes: EEF1A2 (eukaryotic translation elongation factor 1 alpha 2; minus strand), LOC132090595 (Neanderthal introgressed variant-containing enhancer experimental_60987; plus strand). Cytogenetic location: 20q13.33.
Variant type: single nucleotide variant.
Coding change: c.465G>A on transcript NM_001958.5 (MANE Select); coding-DNA position 465, G replaced by A.
Protein change: p.Met155Ile; replaces methionine 155 with isoleucine.
Molecular consequence: missense variant.
Genome position (GRCh38, 1-based): chr20:63,494,961, C>T on the plus strand (G>A on the coding strand, the complement: EEF1A2 is on the minus strand). VCF-style: chr20-63494961-C-T. GRCh37 (hg19) VCF-style: chr20-62126314-C-T.
Other names: short protein forms M155I.
Identifiers: ClinVar variation 982593 (VCV000982593.2), dbSNP rs1555883811, ClinGen allele CA409649838.
Genomic context (GRCh38, chr20:63,494,961, plus strand): 5'-GCTGACTTCCTTGACGATCTCGTCGTAGCGCTTCTCGCTGTAGGCCGGCTCTGTGGAGTC[C>T]ATTTTGTTCACGCCCACGATGAGCTGCTTCACACCCAGCGTGTAGGCCAGCAGGGCATGC-3'
Protein context (NP_001949.1, residues 145-165): VKQLIVGVNK[Met155Ile]DSTEPAYSEK